The following is an entry in ClinVar:

ClinVar aggregate classification (germline): Likely benign. Review status: criteria provided, multiple submitters, no conflicts (2 of 4 stars). 2 submissions from 2 submitters: Likely benign (2). Last evaluated 2025-07-09.

Conditions:
Early-infantile DEE. Also called: Early infantile epileptic encephalopathy; Ohtahara syndrome; Early infantile epileptic encephalopathy with suppression bursts. Identifiers: Orphanet 1934, MedGen C0393706, MONDO:0800491.

Allele frequency attached by ClinVar (database versions not stated): gnomAD exomes below 0.00001 and 0.00001; ExAC 0.00001; gnomAD 0.00001; TOPMed 0.00001.
gnomAD v4.1: 10 of 1,373,394 alleles (0.00073%); highest among the groups gnomAD compares: South Asian, 0.0012%; no homozygotes.

Submissions (2):

Women's Health and Genetics/Laboratory Corporation of America, LabCorp
Classification: Likely benign. Last evaluated: 2025-07-09. Review status: criteria provided, single submitter. Criteria: LabCorp Variant Classification Summary - May 2015. Collection method: clinical testing. Allele origin: germline.
Comment: Variant summary: SCN1A c.265-14T>C alters a nucleotide located at a position not widely known to affect splicing. Consensus agreement among computation tools predict no significant impact on normal splicing. However, these predictions have yet to be confirmed by functional studies. The variant allele was found at a frequency of 7.3e-06 in 1366850 control chromosomes. This frequency is not higher than the maximum estimated for a pathogenic variant in SCN1A causing SCN1A-Related Seizure Disorder (1.8e-05), however the occurrence in several carriers suggests that this variant is likely not associated with a high penetrance, severe, early onset disease phenotype in heterozygous state. To our knowledge, no occurrence of c.265-14T>C in individuals affected with SCN1A-Related Seizure Disorder and no experimental evidence demonstrating its impact on protein function have been reported. ClinVar contains an entry for this variant (Variation ID: 1585140). Based on the evidence outlined above, the variant was classified as likely benign.

Labcorp Genetics (formerly Invitae), Labcorp
Classification: Likely benign for Early-infantile DEE. Last evaluated: 2021-10-31. Review status: criteria provided, single submitter. Criteria: Invitae Variant Classification Sherloc (09022015). Collection method: clinical testing. Allele origin: germline.

NM_001165963.4(SCN1A):c.265-14T>C

Gene: SCN1A (sodium voltage-gated channel alpha subunit 1; minus strand). Cytogenetic location: 2q24.3.
Variant type: single nucleotide variant.
Coding change: c.265-14T>C on transcript NM_001165963.4 (MANE Select); 14 bases into the intron before coding-DNA position 265, T replaced by C.
Molecular consequence: intron variant.
Genome position (GRCh38, 1-based): chr2:166,058,702, A>G on the plus strand (T>C on the coding strand, the complement: SCN1A is on the minus strand). VCF-style: chr2-166058702-A-G. GRCh37 (hg19) VCF-style: chr2-166915212-A-G.
Other names: c.265-14T>C (NM_001353949.2, NM_001353958.2, NM_001353950.2 and 10 more transcripts); c.-2161-14T>C (NM_001353961.2).
Identifiers: ClinVar variation 1585140 (VCV001585140.10), dbSNP rs765088995, ClinGen allele CA1943544.